The following is an entry in ClinVar:

NM_016188.5(ACTL6B):c.11dup (p.Val5fs)

Gene: ACTL6B (actin like 6B; minus strand). Cytogenetic location: 7q22.1.
Variant type: Duplication.
Coding change: c.11dup on transcript NM_016188.5 (MANE Select); coding-DNA position 11, one base duplicated (G; older notation c.11dupG).
Protein change: p.Val5fs; shifts the reading frame from valine 5.
Molecular consequence: frameshift variant. On other transcripts: non-coding transcript variant (1).
Genome position (GRCh38, 1-based): chr7:100,656,344, C duplicated on the plus strand (G on the coding strand, the reverse complement: ACTL6B is on the minus strand); the first of 5 consecutive C bases (chr7:100,656,344-100,656,348); duplicating any one gives the same sequence. VCF-style (leftmost placement, unchanged base first): chr7-100656343-G-GC. GRCh37 (hg19) VCF-style: chr7-100253966-G-GC.
Other names: short protein forms V5fs.
Identifiers: ClinVar variation 3767125 (VCV003767125.2).
Genomic context (GRCh38, chr7:100,656,343, plus strand): 5'-GTTTGGAACGCAGGGCTGCGGGAGCCGGGGGCCCGAGGCTCGCTCACCTCCGCCGTAGAC[G>GC]CCCCCGCTCATAGTGCCCGCTGCGCTGCTAGCGGCCCGTGGGCGGTGGCGGGATCAGCAC-3'

ClinVar aggregate classification (germline): Likely pathogenic (1 of 4 stars; one submission).

Conditions:
Developmental and epileptic encephalopathy, 76. Also called: EPILEPTIC ENCEPHALOPATHY, EARLY INFANTILE, 76; DEVELOPMENTAL DELAY, EPILEPTIC ENCEPHALOPATHY, CEREBRAL ATROPHY, AND ABNORMAL MYELINATION. Identifiers: MedGen C5193113, MONDO:0032768, OMIM 618468.

Submission:

Juno Genomics, Hangzhou Juno Genomics, Inc
Classification: Likely pathogenic for Developmental and epileptic encephalopathy, 76. Review status: criteria provided, single submitter. Criteria: ACMG Guidelines, 2015. Collection method: clinical testing. Allele origin: germline. Affected: yes.
Comment: Absent from controls (or at extremely low frequency if recessive) in Genome Aggregation Database, Exome Sequencing Project, 1000 Genomes Project, or Exome Aggregation Consortium.;Null variant in a gene where loss of function (LOF) is a known mechanism of disease.